The following is an entry in ClinVar:

NM_001134673.4(NFIA):c.467G>C (p.Cys156Ser)

Gene: NFIA (nuclear factor I A; plus strand). Cytogenetic location: 1p31.3.
Variant type: single nucleotide variant.
Coding change: c.467G>C on transcript NM_001134673.4 (MANE Select); coding-DNA position 467, G replaced by C.
Protein change: p.Cys156Ser; replaces cysteine 156 with serine.
Molecular consequence: missense variant.
Genome position (GRCh38, 1-based): chr1:61,088,588, G>C. VCF-style: chr1-61088588-G-C. GRCh37 (hg19) VCF-style: chr1-61554260-G-C.
Other names: c.443G>C, p.Cys148Ser (NM_001145511.2); c.602G>C, p.Cys201Ser (NM_001145512.2); c.467G>C, p.Cys156Ser (NM_005595.5); short protein forms C148S, C156S, C201S.
Identifiers: ClinVar variation 1709999 (VCV001709999.2), dbSNP rs2524201328, ClinGen allele CA340587116.

ClinVar aggregate classification (germline): Uncertain significance (1 of 4 stars; one submission).

Conditions:
Chromosome 1p32-p31 deletion syndrome. Identifiers: Orphanet 401986, MedGen C4707828, MONDO:0013396.

Submission:

MGZ Medical Genetics Center
Classification: Uncertain significance for Brain malformations with or without urinary tract defects. Last evaluated: 2021-09-10. Review status: criteria provided, single submitter. Criteria: ACMG Guidelines, 2015. Collection method: clinical testing. Allele origin: germline. Affected: yes. Observed: 1 variant allele.
Comment: ACMG criteria applied: PM1, PM2_SUP, PP2, PP3